The following is an entry in ClinVar:

ClinVar aggregate classification (germline): Uncertain significance (1 of 4 stars; one submission).

Conditions:
Charcot-Marie-Tooth disease type 4. Also called: Charcot-Marie-Tooth disease, type IV; Charcot-Marie-Tooth, Type 4. Identifiers: Orphanet 64749, MedGen C4082197, MONDO:0018995.

Allele frequency attached by ClinVar (database versions not stated): TOPMed below 0.00001; ExAC 0.00001; gnomAD exomes 0.00001.
gnomAD v4.1: 4 of 1,614,192 alleles (0.00025%); highest among the groups gnomAD compares: Admixed American, 0.0067%; no homozygotes.

Submission:

Labcorp Genetics (formerly Invitae), Labcorp
Classification: Uncertain significance for Charcot-Marie-Tooth disease type 4. Last evaluated: 2022-07-17. Review status: criteria provided, single submitter. Criteria: Invitae Variant Classification Sherloc (09022015). Collection method: clinical testing. Allele origin: germline.
Comment: This sequence change replaces alanine, which is neutral and non-polar, with valine, which is neutral and non-polar, at codon 1800 of the SBF2 protein (p.Ala1800Val). This variant is present in population databases (rs745534248, gnomAD 0.006%). This variant has not been reported in the literature in individuals affected with SBF2-related conditions. ClinVar contains an entry for this variant (Variation ID: 861873). Algorithms developed to predict the effect of missense changes on protein structure and function are either unavailable or do not agree on the potential impact of this missense change (SIFT: "Deleterious"; PolyPhen-2: "Benign"; Align-GVGD: "Class C0"). In summary, the available evidence is currently insufficient to determine the role of this variant in disease. Therefore, it has been classified as a Variant of Uncertain Significance.

NM_030962.4(SBF2):c.5399C>T (p.Ala1800Val)

Genes: SBF2 (SET binding factor 2; minus strand), SBF2-AS1 (SBF2 antisense RNA 1; plus strand), LOC105369149 (uncharacterized LOC105369149; plus strand). Cytogenetic location: 11p15.4.
Variant type: single nucleotide variant.
Coding change: c.5399C>T on transcript NM_030962.4 (MANE Select); coding-DNA position 5399, C replaced by T.
Protein change: p.Ala1800Val; replaces alanine 1800 with valine.
Molecular consequence: missense variant.
Genome position (GRCh38, 1-based): chr11:9,781,559, G>A on the plus strand (C>T on the coding strand, the complement: SBF2 is on the minus strand). VCF-style: chr11-9781559-G-A. GRCh37 (hg19) VCF-style: chr11-9803106-G-A.
Other names: c.5495C>T, p.Ala1832Val (NM_001386339.1); c.5270C>T, p.Ala1757Val (NM_001386342.1); short protein forms A1800V, A1757V, A1832V.
Identifiers: ClinVar variation 861873 (VCV000861873.7), dbSNP rs745534248, ClinGen allele CA5880714.
Genomic context (GRCh38, chr11:9,781,559, plus strand): 5'-CAACTTACATCAAAGAAAGCCTTGTCACTTGTGTGCTTTGGGGCTCCCATGCTGGGGCCA[G>A]CAGGGATGACCATTTCTACTTCAGCCAGATCAATGTGGCCTTTACAGCTTGTGTCCTCAC-3'
Protein context (NP_112224.1, residues 1790-1810): DLAEVEMVIP[Ala1800Val]GPSMGAPKHT